The following is an entry in ClinVar:

ClinVar aggregate classification (germline): Conflicting classifications of pathogenicity. Review status: criteria provided, conflicting classifications (1 of 4 stars). 2 submissions from 2 submitters: Uncertain significance (1); Likely benign (1). Last evaluated 2018-11-20.

Allele frequency attached by ClinVar (database versions not stated): gnomAD exomes 0.00001 and 0.00002; ExAC 0.00002; gnomAD 0.00003; TOPMed 0.00003.

Submissions (2):

Laboratory for Molecular Medicine, Mass General Brigham Personalized Medicine
Classification: Uncertain significance. Last evaluated: 2018-11-20. Review status: criteria provided, single submitter. Criteria: LMM Criteria. Collection method: clinical testing. Allele origin: germline. Observed: 1 variant allele.
Comment: The p.Pro568Leu variant in USH1C has not been previously reported in individuals with hearing loss or Usher syndrome, but has been identified in 0.004% (1/22996 ) of African chromosomes and 0.003% (3/119860) of European chromosomes by gnomAD. Computational prediction tools and conserva tion analysis do not provide strong support for or against an impact to the prot ein. In summary, the clinical significance of the p.Pro568Leu variant is uncerta in. ACMG/AMP Criteria applied: PM2.

Labcorp Genetics (formerly Invitae), Labcorp
Classification: Likely benign. Last evaluated: 2018-06-18. Review status: criteria provided, single submitter. Criteria: Invitae Variant Classification Sherloc (09022015). Collection method: clinical testing. Allele origin: germline.

NM_153676.4(USH1C):c.1703C>T (p.Pro568Leu)

Gene: USH1C (USH1 protein network component harmonin; minus strand). Cytogenetic location: 11p15.1.
Variant type: single nucleotide variant.
Coding change: c.1703C>T on transcript NM_153676.4 (MANE Select); coding-DNA position 1703, C replaced by T.
Protein change: p.Pro568Leu; replaces proline 568 with leucine.
Molecular consequence: missense variant. On other transcripts: intron variant (2).
Genome position (GRCh38, 1-based): chr11:17,509,666, G>A on the plus strand (C>T on the coding strand, the complement: USH1C is on the minus strand). VCF-style: chr11-17509666-G-A. GRCh37 (hg19) VCF-style: chr11-17531213-G-A.
Other names: c.1228-7686C>T (NM_001297764.2); c.1285-7686C>T (NM_005709.4); short protein forms P568L.
Identifiers: ClinVar variation 667352 (VCV000667352.7), dbSNP rs747675437, ClinGen allele CA5904466.